The following is an entry in ClinVar:

ClinVar aggregate classification (germline): Uncertain significance. Review status: criteria provided, multiple submitters, no conflicts (2 of 4 stars). 2 submissions from 2 submitters: Uncertain significance (2). Last evaluated 2024-02-28.

Conditions:
Inborn genetic diseases. Identifiers: MedGen C0950123, MeSH D030342.

Allele frequency attached by ClinVar (database versions not stated): gnomAD exomes below 0.00001; ExAC 0.00001.
gnomAD v4.1: 1 of 1,614,144 alleles (0.000062%); highest among the groups gnomAD compares: East Asian, 0.0022%; no homozygotes.

Submissions (2):

Ambry Genetics
Classification: Uncertain significance for Inborn genetic diseases. Last evaluated: 2024-02-28. Review status: criteria provided, single submitter. Criteria: Ambry Variant Classification Scheme 2023. Collection method: clinical testing. Allele origin: germline.

Labcorp Genetics (formerly Invitae), Labcorp
Classification: Uncertain significance. Last evaluated: 2021-11-03. Review status: criteria provided, single submitter. Criteria: Invitae Variant Classification Sherloc (09022015). Collection method: clinical testing. Allele origin: germline.
Comment: In summary, the available evidence is currently insufficient to determine the role of this variant in disease. Therefore, it has been classified as a Variant of Uncertain Significance. Advanced modeling of protein sequence and biophysical properties (such as structural, functional, and spatial information, amino acid conservation, physicochemical variation, residue mobility, and thermodynamic stability) performed at Invitae indicates that this missense variant is not expected to disrupt SERPING1 protein function. This variant has not been reported in the literature in individuals affected with SERPING1-related conditions. This variant is present in population databases (rs775757014, gnomAD 0.006%). This sequence change replaces valine, which is neutral and non-polar, with isoleucine, which is neutral and non-polar, at codon 288 of the SERPING1 protein (p.Val288Ile).

NM_000062.3(SERPING1):c.862G>A (p.Val288Ile)

Gene: SERPING1 (serpin family G member 1; plus strand). Cytogenetic location: 11q12.1.
Variant type: single nucleotide variant.
Coding change: c.862G>A on transcript NM_000062.3 (MANE Select); coding-DNA position 862, G replaced by A.
Protein change: p.Val288Ile; replaces valine 288 with isoleucine.
Molecular consequence: missense variant.
Genome position (GRCh38, 1-based): chr11:57,606,186, G>A. VCF-style: chr11-57606186-G-A. GRCh37 (hg19) VCF-style: chr11-57373659-G-A.
Other names: c.862G>A, p.Val288Ile (NM_001032295.2); c.862G>A (NM_000062.2); short protein forms V288I.
Identifiers: ClinVar variation 1349172 (VCV001349172.7), dbSNP rs775757014, ClinGen allele CA6008132.